The following is an entry in ClinVar:

ClinVar aggregate classification (germline): Likely benign. Review status: criteria provided, single submitter (1 of 4 stars). 2 submissions from 2 submitters: Likely benign (1). 1 of the submissions does not count toward it. Last evaluated 2026-09-01.

Conditions:
TRPM3-related disorder. Also called: TRPM3-related condition.

Allele frequency attached by ClinVar (database versions not stated): 1000 Genomes Project 30x 0.00125; 1000 Genomes Project 0.00140; gnomAD 0.00267; ESP Exome Variant Server 0.00338.
gnomAD v4.1: 6,836 of 1,590,980 alleles (0.43%); highest among the groups gnomAD compares: Non-Finnish European, 0.49%; 24 homozygotes.

Submissions (2):

CeGaT Center for Human Genetics Tuebingen
Classification: Likely benign. Last evaluated: 2026-09-01. Review status: criteria provided, single submitter. Criteria: CeGaT Center For Human Genetics Tuebingen Variant Classification Criteria Version 2. Collection method: clinical testing. Allele origin: germline. Affected: yes. Observed: 6 variant alleles.
Comment: TRPM3: BS2

PreventionGenetics, part of Exact Sciences
Classification: Benign for TRPM3-related condition. Last evaluated: 2019-02-20. Review status: no assertion criteria provided. Collection method: clinical testing. Allele origin: germline. Not counted in ClinVar's aggregate classification.
Comment: This variant is classified as benign based on ACMG/AMP sequence variant interpretation guidelines (Richards et al. 2015 PMID: 25741868, with internal and published modifications).

NM_001366145.2(TRPM3):c.3860G>A (p.Arg1287Gln)

Genes: KLF9-DT (KLF9 divergent transcript; plus strand), TRPM3 (transient receptor potential cation channel subfamily M member 3; minus strand). Cytogenetic location: 9q21.12.
Variant type: single nucleotide variant.
Coding change: c.3860G>A on transcript NM_001366145.2 (MANE Select); coding-DNA position 3860, G replaced by A.
Protein change: p.Arg1287Gln; replaces arginine 1287 with glutamine.
Molecular consequence: missense variant.
Genome position (GRCh38, 1-based): chr9:70,537,253, C>T on the plus strand (G>A on the coding strand, the complement: TRPM3 is on the minus strand). VCF-style: chr9-70537253-C-T. GRCh37 (hg19) VCF-style: chr9-73152169-C-T.
Other names: c.3824G>A, p.Arg1275Gln (NM_001007471.4, NM_001366151.2); c.3830G>A, p.Arg1277Gln (NM_001366141.2, NM_001366143.2, NM_001366149.2); c.3866G>A, p.Arg1289Gln (NM_001366142.2); c.3860G>A, p.Arg1287Gln (NM_001366146.2); c.3935G>A, p.Arg1312Gln (NM_001366147.2, NM_001366152.2); c.3905G>A, p.Arg1302Gln (NM_001366148.2); c.3794G>A, p.Arg1265Gln (NM_001366150.2); c.3401G>A, p.Arg1134Gln (NM_001366154.2, NM_024971.7); and 6 more; short protein forms R1112Q, R1122Q, R1124Q, R1134Q, R1137Q, R1147Q, R1265Q, R1275Q.
Identifiers: ClinVar variation 2659248 (VCV002659248.25), dbSNP rs141399885, ClinGen allele CA5077930.